The following is an entry in ClinVar:

NM_012144.4(DNAI1):c.341A>G (p.Asp114Gly)

Gene: DNAI1 (dynein axonemal intermediate chain 1; plus strand). Cytogenetic location: 9p13.3.
Variant type: single nucleotide variant.
Coding change: c.341A>G on transcript NM_012144.4 (MANE Select); coding-DNA position 341, A replaced by G.
Protein change: p.Asp114Gly; replaces aspartic acid 114 with glycine.
Molecular consequence: missense variant.
Genome position (GRCh38, 1-based): chr9:34,489,402, A>G. VCF-style: chr9-34489402-A-G. GRCh37 (hg19) VCF-style: chr9-34489400-A-G.
Other names: c.341A>G, p.Asp114Gly (NM_001281428.2); short protein forms D114G.
Identifiers: ClinVar variation 646945 (VCV000646945.4), dbSNP rs147909279, ClinGen allele CA5034015.

ClinVar aggregate classification (germline): Uncertain significance. Review status: criteria provided, single submitter (1 of 4 stars). 2 submissions from 2 submitters: Uncertain significance (1). 1 of the submissions does not count toward it. Last evaluated 2021-08-24.

Conditions:
Primary ciliary dyskinesia. Also called: Ciliary dyskinesia. Identifiers: Orphanet 244, MedGen C0008780, MONDO:0016575, HP:0012265.

Allele frequency attached by ClinVar (database versions not stated): TOPMed 0.00004; ExAC 0.00006; gnomAD 0.00006 and 0.00007; gnomAD exomes 0.00006 and 0.00004; ESP Exome Variant Server 0.00023.
gnomAD v4.1: 95 of 1,613,892 alleles (0.0059%); highest among the groups gnomAD compares: Middle Eastern, 0.016%; no homozygotes.

Submissions (2):

Labcorp Genetics (formerly Invitae), Labcorp
Classification: Uncertain significance for Primary ciliary dyskinesia. Last evaluated: 2021-08-24. Review status: criteria provided, single submitter. Criteria: Invitae Variant Classification Sherloc (09022015). Collection method: clinical testing. Allele origin: germline.
Comment: This sequence change replaces aspartic acid with glycine at codon 114 of the DNAI1 protein (p.Asp114Gly). The aspartic acid residue is highly conserved and there is a moderate physicochemical difference between aspartic acid and glycine. This variant is present in population databases (rs147909279, ExAC 0.01%). This variant has not been reported in the literature in individuals affected with DNAI1-related conditions. Algorithms developed to predict the effect of missense changes on protein structure and function are either unavailable or do not agree on the potential impact of this missense change (SIFT: "Deleterious"; PolyPhen-2: "Benign"; Align-GVGD: "Class C65"). In summary, the available evidence is currently insufficient to determine the role of this variant in disease. Therefore, it has been classified as a Variant of Uncertain Significance.

Natera, Inc.
Classification: Uncertain significance for Primary ciliary dyskinesia. Last evaluated: 2020-04-13. Review status: no assertion criteria provided. Collection method: clinical testing. Allele origin: germline. Not counted in ClinVar's aggregate classification.